The following is an entry in ClinVar:

ClinVar aggregate classification (germline): Uncertain significance. Review status: criteria provided, multiple submitters, no conflicts (2 of 4 stars). 4 submissions from 4 submitters: Uncertain significance (4). Last evaluated 2026-04-29.

Conditions:
Cardiomyopathy (CMYO). Also called: Cardiomyopathies. Identifiers: Orphanet 167848, MedGen C0878544, MONDO:0004994, HP:0001638. Inheritance: Various modes of inheritance.
Arrhythmogenic right ventricular dysplasia 11. Also called: ARRHYTHMOGENIC RIGHT VENTRICULAR DYSPLASIA, FAMILIAL, 11; Arrhythmogenic right ventricular dysplasia 11 with mild palmoplantar keratoderma and woolly hair; Arrhythmogenic Right Ventricular Dysplasia/Cardiomyopathy11. Identifiers: MedGen C1864850, MONDO:0012506, OMIM 610476.

Allele frequency attached by ClinVar (database versions not stated): ExAC 0.00001.

Submissions (4):

Helix
Classification: Uncertain significance for Arrhythmogenic right ventricular dysplasia 11. Last evaluated: 2026-04-29. Review status: criteria provided, single submitter. Criteria: ACMG Guidelines, 2015. Collection method: clinical testing. Allele origin: germline. Inheritance: Autosomal dominant inheritance.
Comment: This variant (NM_024422.6:c.1593A>C p.Arg531Ser) results in the substitution of arginine with serine at codon 531 in the DSC2 protein. It is a rare variant that is absent from the large gnomAD population database (v4.1). To our knowledge, this variant has not been reported in individuals with DSC2-related conditions in the published literature. In silico prediction from REVEL (PMID: 27666373) suggests that this variant may be benign. This variant is present in ClinVar (Accession: VCV000918126.8). In conclusion, since the available evidence is limited, the clinical significance of this variant is unclear at this time. Therefore, it is classified as a Variant of Uncertain Significance.

Labcorp Genetics (formerly Invitae), Labcorp
Classification: Uncertain significance for Arrhythmogenic right ventricular dysplasia 11. Last evaluated: 2025-03-24. Review status: criteria provided, single submitter. Criteria: Invitae Variant Classification Sherloc (09022015). Collection method: clinical testing. Allele origin: germline.
Comment: This sequence change replaces arginine, which is basic and polar, with serine, which is neutral and polar, at codon 531 of the DSC2 protein (p.Arg531Ser). This variant is present in population databases (rs762973455, gnomAD 0.0009%). This variant has not been reported in the literature in individuals affected with DSC2-related conditions. ClinVar contains an entry for this variant (Variation ID: 918126). Invitae Evidence Modeling of protein sequence and biophysical properties (such as structural, functional, and spatial information, amino acid conservation, physicochemical variation, residue mobility, and thermodynamic stability) indicates that this missense variant is not expected to disrupt DSC2 protein function with a negative predictive value of 80%. In summary, the available evidence is currently insufficient to determine the role of this variant in disease. Therefore, it has been classified as a Variant of Uncertain Significance.

Color Diagnostics, LLC DBA Color Health
Classification: Uncertain significance for Cardiomyopathy. Last evaluated: 2023-12-04. Review status: criteria provided, single submitter. Criteria: ACMG Guidelines, 2015. Collection method: clinical testing. Allele origin: germline.
Comment: Variant of Uncertain Significance due to insufficient evidence: This missense variant is located in the extracellular cadherin domain 4 of the DSC2 protein. Computational prediction tools and conservation analyses are inconclusive regarding the impact of this variant on the protein function. Computational splicing tools suggest that this variant may not impact RNA splicing. To our knowledge, functional assays have not been performed for this variant nor has this variant been reported in individuals affected with cardiovascular disorders in the literature. This variant has been identified in 1/245968 chromosomes in the general population by the Genome Aggregation Database (gnomAD). Available evidence is insufficient to determine the pathogenicity of this variant conclusively.

Women's Health and Genetics/Laboratory Corporation of America, LabCorp
Classification: Uncertain significance. Last evaluated: 2020-03-02. Review status: criteria provided, single submitter. Criteria: LabCorp Variant Classification Summary - May 2015. Collection method: clinical testing. Allele origin: germline.
Comment: Variant summary: DSC2 c.1593A>C (p.Arg531Ser) results in a non-conservative amino acid change located in the Cadherin-like domain (IPR002126) of the encoded protein sequence. Three of five in-silico tools predict a benign effect of the variant on protein function. The variant was absent in 251194 control chromosomes (gnomAD). The available data on variant occurrences in the general population are insufficient to allow any conclusion about variant significance. To our knowledge, no occurrence of c.1593A>C in individuals affected with Cardiomyopathy and no experimental evidence demonstrating its impact on protein function have been reported. No clinical diagnostic laboratories have submitted clinical-significance assessments for this variant to ClinVar after 2014. Based on the evidence outlined above, the variant was classified as uncertain significance.

NM_024422.6(DSC2):c.1593A>C (p.Arg531Ser)

Gene: DSC2 (desmocollin 2; minus strand). Cytogenetic location: 18q12.1.
Variant type: single nucleotide variant.
Coding change: c.1593A>C on transcript NM_024422.6 (MANE Select); coding-DNA position 1593, A replaced by C.
Protein change: p.Arg531Ser; replaces arginine 531 with serine.
Molecular consequence: missense variant.
Genome position (GRCh38, 1-based): chr18:31,079,917, T>G on the plus strand (A>C on the coding strand, the complement: DSC2 is on the minus strand). VCF-style: chr18-31079917-T-G. GRCh37 (hg19) VCF-style: chr18-28659883-T-G.
Other names: c.1593A>C, p.Arg531Ser (NM_004949.5); short protein forms R531S.
Identifiers: ClinVar variation 918126 (VCV000918126.9), dbSNP rs762973455, ClinGen allele CA032308.